The following is an entry in ClinVar:

NM_001040142.2(SCN2A):c.3884G>A (p.Gly1295Asp)

Gene: SCN2A (sodium voltage-gated channel alpha subunit 2; plus strand). Cytogenetic location: 2q24.3.
Variant type: single nucleotide variant.
Coding change: c.3884G>A on transcript NM_001040142.2 (MANE Select); coding-DNA position 3884, G replaced by A.
Protein change: p.Gly1295Asp; replaces glycine 1295 with aspartic acid.
Molecular consequence: missense variant.
Genome position (GRCh38, 1-based): chr2:165,373,259, G>A. VCF-style: chr2-165373259-G-A. GRCh37 (hg19) VCF-style: chr2-166229769-G-A.
Other names: c.3884G>A, p.Gly1295Asp (NM_001040143.2, NM_001371246.1, NM_001371247.1 and 1 more transcripts); short protein forms G1295D.
Identifiers: ClinVar variation 1315807 (VCV001315807.5), dbSNP rs2105370652, ClinGen allele CA349028940.

ClinVar aggregate classification (germline): Uncertain significance. Review status: criteria provided, multiple submitters, no conflicts (2 of 4 stars). 2 submissions from 2 submitters: Uncertain significance (2). Last evaluated 2024-01-02.

Conditions:
Developmental and epileptic encephalopathy, 11 (DEE11). Also called: Early infantile epileptic encephalopathy 11. Identifiers: Orphanet 1934, MedGen C3150987, MONDO:0013388, OMIM 613721.
Seizures, benign familial infantile, 3 (BFIS3). Also called: CONVULSIONS, BENIGN FAMILIAL INFANTILE, 3; Familial neonatal seizures. Identifiers: Orphanet 140927, Orphanet 306, MedGen C1843140, MONDO:0011904, OMIM 607745.

Submissions (2):

Labcorp Genetics (formerly Invitae), Labcorp
Classification: Uncertain significance for Seizures, benign familial infantile, 3; Developmental and epileptic encephalopathy, 11. Last evaluated: 2024-01-02. Review status: criteria provided, single submitter. Criteria: Invitae Variant Classification Sherloc (09022015). Collection method: clinical testing. Allele origin: germline.
Comment: This sequence change replaces glycine, which is neutral and non-polar, with aspartic acid, which is acidic and polar, at codon 1295 of the SCN2A protein (p.Gly1295Asp). This variant is not present in population databases (gnomAD no frequency). This variant has not been reported in the literature in individuals affected with SCN2A-related conditions. ClinVar contains an entry for this variant (Variation ID: 1315807). Advanced modeling of protein sequence and biophysical properties (such as structural, functional, and spatial information, amino acid conservation, physicochemical variation, residue mobility, and thermodynamic stability) performed at Invitae indicates that this missense variant is expected to disrupt SCN2A protein function with a positive predictive value of 95%. In summary, the available evidence is currently insufficient to determine the role of this variant in disease. Therefore, it has been classified as a Variant of Uncertain Significance.

GeneDx
Classification: Uncertain significance. Last evaluated: 2019-09-09. Review status: criteria provided, single submitter. Criteria: GeneDx Variant Classification Process June 2021. Collection method: clinical testing. Allele origin: germline. Affected: yes.
Comment: Has not been previously published as pathogenic or benign to our knowledge; Not observed in large population cohorts (Lek et al., 2016); In silico analysis, which includes protein predictors and evolutionary conservation, supports a deleterious effect; The majority of missense variants in this gene are considered pathogenic (Stenson et al., 2014)